The following is an entry in ClinVar:

NM_005334.3(HCFC1):c.4394A>G (p.Asn1465Ser)

Gene: HCFC1 (host cell factor C1; minus strand). Cytogenetic location: Xq28.
Variant type: single nucleotide variant.
Coding change: c.4394A>G on transcript NM_005334.3 (MANE Select); coding-DNA position 4394, A replaced by G.
Protein change: p.Asn1465Ser; replaces asparagine 1465 with serine.
Molecular consequence: missense variant.
Genome position (GRCh38, 1-based): chrX:153,953,710, T>C on the plus strand (A>G on the coding strand, the complement: HCFC1 is on the minus strand). VCF-style: chrX-153953710-T-C. GRCh37 (hg19) VCF-style: chrX-153219161-T-C.
Other names: c.4394A>G, p.Asn1465Ser (NM_001410705.1); short protein forms N1465S.
Identifiers: ClinVar variation 3524165 (VCV003524165.3).

ClinVar aggregate classification (germline): Uncertain significance. Review status: criteria provided, multiple submitters, no conflicts (2 of 4 stars). 2 submissions from 2 submitters: Uncertain significance (2). Last evaluated 2025-01-16.

Conditions:
Inborn genetic diseases. Identifiers: MedGen C0950123, MeSH D030342.
Methylmalonic acidemia with homocystinuria, type cblX (MAHCX). Also called: INTELLECTUAL DEVELOPMENTAL DISORDER, X-LINKED 3. Identifiers: Orphanet 369962, MedGen C0796208, MONDO:0010657, OMIM 309541.

gnomAD v4.1: 6 of 1,210,648 alleles (0.0005%); highest among the groups gnomAD compares: Non-Finnish European, 0.00045%; no homozygotes.

Submissions (2):

Labcorp Genetics (formerly Invitae), Labcorp
Classification: Uncertain significance for Methylmalonic acidemia with homocystinuria, type cblX. Last evaluated: 2025-01-16. Review status: criteria provided, single submitter. Criteria: Invitae Variant Classification Sherloc (09022015). Collection method: clinical testing. Allele origin: germline.
Comment: This sequence change replaces asparagine, which is neutral and polar, with serine, which is neutral and polar, at codon 1465 of the HCFC1 protein (p.Asn1465Ser). This variant is present in population databases (no rsID available, gnomAD 0.001%). This variant has not been reported in the literature in individuals affected with HCFC1-related conditions. An algorithm developed to predict the effect of missense changes on protein structure and function outputs the following: PolyPhen-2: "Benign". The serine amino acid residue is found in multiple mammalian species, which suggests that this missense change does not adversely affect protein function. In summary, the available evidence is currently insufficient to determine the role of this variant in disease. Therefore, it has been classified as a Variant of Uncertain Significance.

Ambry Genetics
Classification: Uncertain significance for Inborn genetic diseases. Last evaluated: 2024-08-01. Review status: criteria provided, single submitter. Criteria: Ambry Variant Classification Scheme 2023. Collection method: clinical testing. Allele origin: germline.